The following is an entry in ClinVar:

ClinVar aggregate classification (germline): Uncertain significance. Review status: criteria provided, multiple submitters, no conflicts (2 of 4 stars). 2 submissions from 2 submitters: Uncertain significance (2). Last evaluated 2022-06-20.

Conditions:
Inborn genetic diseases. Identifiers: MedGen C0950123, MeSH D030342.
MHC class II deficiency. Also called: BLS, TYPE II; Bare lymphocyte syndrome 2. Identifiers: Orphanet 572, MedGen C5447452, MONDO:0008855.

Allele frequency attached by ClinVar (database versions not stated): ExAC 0.00002; gnomAD exomes 0.00002; TOPMed 0.00003.
gnomAD v4.1: 25 of 1,614,100 alleles (0.0015%); highest among the groups gnomAD compares: Non-Finnish European, 0.0019%; no homozygotes.

Submissions (2):

Labcorp Genetics (formerly Invitae), Labcorp
Classification: Uncertain significance for MHC class II deficiency. Last evaluated: 2022-06-20. Review status: criteria provided, single submitter. Criteria: Invitae Variant Classification Sherloc (09022015). Collection method: clinical testing. Allele origin: germline.
Comment: This sequence change replaces alanine, which is neutral and non-polar, with threonine, which is neutral and polar, at codon 160 of the RFXANK protein (p.Ala160Thr). This variant is present in population databases (rs780019385, gnomAD 0.004%). This variant has not been reported in the literature in individuals affected with RFXANK-related conditions. ClinVar contains an entry for this variant (Variation ID: 845010). Algorithms developed to predict the effect of missense changes on protein structure and function are either unavailable or do not agree on the potential impact of this missense change (SIFT: "Tolerated"; PolyPhen-2: "Probably Damaging"; Align-GVGD: "Class C0"). In summary, the available evidence is currently insufficient to determine the role of this variant in disease. Therefore, it has been classified as a Variant of Uncertain Significance.

Ambry Genetics
Classification: Uncertain significance for Inborn genetic diseases. Last evaluated: 2021-07-09. Review status: criteria provided, single submitter. Criteria: Ambry Variant Classification Scheme 2023. Collection method: clinical testing. Allele origin: germline.

NM_003721.4(RFXANK):c.478G>A (p.Ala160Thr)

Gene: RFXANK (regulatory factor X associated ankyrin containing protein; plus strand). Cytogenetic location: 19p13.11.
Variant type: single nucleotide variant.
Coding change: c.478G>A on transcript NM_003721.4 (MANE Select); coding-DNA position 478, G replaced by A.
Protein change: p.Ala160Thr; replaces alanine 160 with threonine.
Molecular consequence: missense variant.
Genome position (GRCh38, 1-based): chr19:19,198,146, G>A. VCF-style: chr19-19198146-G-A. GRCh37 (hg19) VCF-style: chr19-19308955-G-A.
Other names: c.412G>A, p.Ala138Thr (NM_001278727.2, NM_001370234.1); c.409G>A, p.Ala137Thr (NM_001278728.2, NM_134440.3); c.478G>A, p.Ala160Thr (NM_001370233.1, NM_001370238.1); c.475G>A, p.Ala159Thr (NM_001370235.1, NM_001370236.1, NM_001370237.1); c.478G>A (NM_003721.2); short protein forms A138T, A137T, A159T, A160T.
Identifiers: ClinVar variation 845010 (VCV000845010.5), dbSNP rs780019385, ClinGen allele CA9322781.